The following is an entry in ClinVar:

NM_001378615.1(CC2D2A):c.4708G>T (p.Glu1570Ter)

Genes: CC2D2A (coiled-coil and C2 domain containing 2A; plus strand), FBXL5 (F-box and leucine rich repeat protein 5; minus strand). Cytogenetic location: 4p15.32.
Variant type: single nucleotide variant.
Coding change: c.4708G>T on transcript NM_001378615.1 (MANE Select); coding-DNA position 4708, G replaced by T.
Protein change: p.Glu1570Ter; replaces glutamic acid 1570 with a stop codon.
Molecular consequence: nonsense.
Genome position (GRCh38, 1-based): chr4:15,601,270, G>T. VCF-style: chr4-15601270-G-T. GRCh37 (hg19) VCF-style: chr4-15602893-G-T.
Other names: c.4708G>T, p.Glu1570Ter (NM_001080522.2); c.4561G>T, p.Glu1521Ter (NM_001378617.1); short protein forms E1570*, E1521*.
Identifiers: ClinVar variation 2924731 (VCV002924731.3), dbSNP rs2475163025, ClinGen allele CA356436102.

ClinVar aggregate classification (germline): Pathogenic (1 of 4 stars; one submission).

Conditions:
Joubert syndrome. Also called: JOUBERT-BOLTSHAUSER SYNDROME; Familial aplasia of the vermis. Identifiers: Orphanet 475, MedGen C5979921, MONDO:0018772.
Meckel-Gruber syndrome. Also called: DYSENCEPHALIA SPLANCHNOCYSTICA; GRUBER SYNDROME; Dysencephalia splachnocystica. Identifiers: Orphanet 564, MedGen C0265215, MONDO:0018921.

Submission:

Labcorp Genetics (formerly Invitae), Labcorp
Classification: Pathogenic for Joubert syndrome; Meckel-Gruber syndrome. Last evaluated: 2022-12-16. Review status: criteria provided, single submitter. Criteria: Invitae Variant Classification Sherloc (09022015). Collection method: clinical testing. Allele origin: germline.
Comment: This variant disrupts a region of the CC2D2A protein in which other variant(s) (p.Ala1577Valfs*5) have been determined to be pathogenic (PMID: 30267408). This suggests that this is a clinically significant region of the protein, and that variants that disrupt it are likely to be disease-causing. This sequence change creates a premature translational stop signal (p.Glu1570*) in the CC2D2A gene. While this is not anticipated to result in nonsense mediated decay, it is expected to disrupt the last 51 amino acid(s) of the CC2D2A protein. This variant is not present in population databases (gnomAD no frequency). This variant has not been reported in the literature in individuals affected with CC2D2A-related conditions. Algorithms developed to predict the effect of sequence changes on RNA splicing suggest that this variant may disrupt the consensus splice site. For these reasons, this variant has been classified as Pathogenic.

Literature cited by the submitters: PubMed 30267408.